The following is an entry in ClinVar:

ClinVar aggregate classification (germline): Uncertain significance (1 of 4 stars; one submission).

Conditions:
Mitochondrial DNA depletion syndrome, encephalomyopathic form with methylmalonic aciduria (MTDPS5). Also called: SUCLA2-Related Mitochondrial DNA Depletion Syndrome, Encephalomyopathic Form with Methylmalonic Aciduria; Mitochondrial encephalomyopathy aminoacidopathy; MITOCHONDRIAL DNA DEPLETION SYNDROME, ENCEPHALOMYOPATHIC FORM, WITH OR WITHOUT METHYLMALONIC ACIDURIA, AUTOSOMAL RECESSIVE, SUCLA2-RELATED; Mitochondrial DNA depletion syndrome 5 (encephalomyopathic with or without methylmalonic aciduria). Identifiers: Orphanet 1933, MedGen C5980207, MONDO:0012791, OMIM 612073.

Submission:

Labcorp Genetics (formerly Invitae), Labcorp
Classification: Uncertain significance for Mitochondrial DNA depletion syndrome, encephalomyopathic form with methylmalonic aciduria. Last evaluated: 2022-06-04. Review status: criteria provided, single submitter. Criteria: Invitae Variant Classification Sherloc (09022015). Collection method: clinical testing. Allele origin: germline.
Comment: This sequence change falls in intron 7 of the SUCLA2 gene. It does not directly change the encoded amino acid sequence of the SUCLA2 protein. This variant is not present in population databases (gnomAD no frequency). This variant has not been reported in the literature in individuals affected with SUCLA2-related conditions. Algorithms developed to predict the effect of sequence changes on RNA splicing suggest that this variant may create or strengthen a splice site. In summary, the available evidence is currently insufficient to determine the role of this variant in disease. Therefore, it has been classified as a Variant of Uncertain Significance.

NM_003850.3(SUCLA2):c.965-20A>G

Gene: SUCLA2 (succinate-CoA ligase ADP-forming subunit beta; minus strand). Cytogenetic location: 13q14.2.
Variant type: single nucleotide variant.
Coding change: c.965-20A>G on transcript NM_003850.3 (MANE Select); 20 bases into the intron before coding-DNA position 965, A replaced by G.
Molecular consequence: intron variant.
Genome position (GRCh38, 1-based): chr13:47,954,302, T>C on the plus strand (A>G on the coding strand, the complement: SUCLA2 is on the minus strand). VCF-style: chr13-47954302-T-C. GRCh37 (hg19) VCF-style: chr13-48528437-T-C.
Identifiers: ClinVar variation 1969754 (VCV001969754.5), dbSNP rs376116619, ClinGen allele CA2580087556.